The following is an entry in ClinVar:

ClinVar aggregate classification (germline): Likely pathogenic (1 of 4 stars; one submission).

Conditions:
Lipodystrophy, congenital generalized, type 5 (CGL5). Identifiers: MedGen C5882745, MONDO:0958023, OMIM 620680.
Spondylometaphyseal dysplasia-cone-rod dystrophy syndrome. Identifiers: Orphanet 85167, MedGen C1837073, MONDO:0012160, OMIM 608940.

Submission:

Juno Genomics, Hangzhou Juno Genomics, Inc
Classification: Likely pathogenic for Lipodystrophy, congenital generalized, type 5; Spondylometaphyseal dysplasia-cone-rod dystrophy syndrome. Review status: criteria provided, single submitter. Criteria: ACMG Guidelines, 2015. Collection method: clinical testing. Allele origin: germline.
Comment: Null variant in a gene where loss of function (LOF) is a known mechanism of disease.;Absent from controls (or at extremely low frequency if recessive) in Genome Aggregation Database.

NM_001312673.2(PCYT1A):c.487-2A>G

Gene: PCYT1A (phosphate cytidylyltransferase 1A, choline; minus strand). Cytogenetic location: 3q29.
Variant type: single nucleotide variant.
Coding change: c.487-2A>G on transcript NM_001312673.2 (MANE Select); the canonical splice acceptor site of the intron before coding-DNA position 487, A replaced by G.
Molecular consequence: splice acceptor variant.
Genome position (GRCh38, 1-based): chr3:196,242,642, T>C on the plus strand (A>G on the coding strand, the complement: PCYT1A is on the minus strand). VCF-style: chr3-196242642-T-C. GRCh37 (hg19) VCF-style: chr3-195969513-T-C.
Other names: c.487-2A>G (NM_005017.4).
Identifiers: ClinVar variation 5006602 (VCV005006602.2).